The following is an entry in ClinVar:

NM_014413.4(EIF2AK1):c.836T>C (p.Ile279Thr)

Gene: EIF2AK1 (eukaryotic translation initiation factor 2 alpha kinase 1; minus strand). Cytogenetic location: 7p22.1.
Variant type: single nucleotide variant.
Coding change: c.836T>C on transcript NM_014413.4 (MANE Select); coding-DNA position 836, T replaced by C.
Protein change: p.Ile279Thr; replaces isoleucine 279 with threonine.
Molecular consequence: missense variant.
Genome position (GRCh38, 1-based): chr7:6,041,175, A>G on the plus strand (T>C on the coding strand, the complement: EIF2AK1 is on the minus strand). VCF-style: chr7-6041175-A-G. GRCh37 (hg19) VCF-style: chr7-6080806-A-G.
Other names: c.833T>C, p.Ile278Thr (NM_001134335.2); c.836T>C (NM_014413.3); short protein forms I278T, I279T.
Identifiers: ClinVar variation 2067486 (VCV002067486.6), dbSNP rs745353670, ClinGen allele CA4151024.

ClinVar aggregate classification (germline): Likely benign. Review status: criteria provided, single submitter (1 of 4 stars). 2 submissions from 2 submitters: Likely benign (1). 1 of the submissions does not count toward it. Last evaluated 2026-02-01.

Conditions:
EIF2AK1-related disorder. Also called: EIF2AK1-related condition.

Allele frequency attached by ClinVar (database versions not stated): gnomAD 0.00007; TOPMed 0.00017; gnomAD exomes 0.00020; ExAC 0.00035.
gnomAD v4.1: 130 of 1,613,372 alleles (0.0081%); highest among the groups gnomAD compares: Admixed American, 0.21%; 1 homozygote.

Submissions (2):

Labcorp Genetics (formerly Invitae), Labcorp
Classification: Likely benign. Last evaluated: 2026-02-01. Review status: criteria provided, single submitter. Criteria: Invitae Variant Classification Sherloc (09022015). Collection method: clinical testing. Allele origin: germline.

PreventionGenetics, part of Exact Sciences
Classification: Likely benign for EIF2AK1-related condition. Last evaluated: 2022-05-23. Review status: no assertion criteria provided. Collection method: clinical testing. Allele origin: germline. Not counted in ClinVar's aggregate classification.
Comment: This variant is classified as likely benign based on ACMG/AMP sequence variant interpretation guidelines (Richards et al. 2015 PMID: 25741868, with internal and published modifications).